The following is an entry in ClinVar:

NM_173728.4(ARHGEF15):c.1133A>G (p.Asn378Ser)

Gene: ARHGEF15 (Rho guanine nucleotide exchange factor 15; plus strand). Cytogenetic location: 17p13.1.
Variant type: single nucleotide variant.
Coding change: c.1133A>G on transcript NM_173728.4 (MANE Select); coding-DNA position 1133, A replaced by G.
Protein change: p.Asn378Ser; replaces asparagine 378 with serine.
Molecular consequence: missense variant.
Genome position (GRCh38, 1-based): chr17:8,315,150, A>G. VCF-style: chr17-8315150-A-G. GRCh37 (hg19) VCF-style: chr17-8218468-A-G.
Other names: c.1133A>G, p.Asn378Ser (NM_025014.2); short protein forms N378S.
Identifiers: ClinVar variation 1349136 (VCV001349136.7), dbSNP rs1904924776, ClinGen allele CA398019213.

ClinVar aggregate classification (germline): Uncertain significance (1 of 4 stars; one submission).

Conditions:
Early-infantile DEE. Also called: Early infantile epileptic encephalopathy; Ohtahara syndrome; Early infantile epileptic encephalopathy with suppression bursts. Identifiers: Orphanet 1934, MedGen C0393706, MONDO:0800491.

Allele frequency attached by ClinVar (database versions not stated): gnomAD 0.00001.
gnomAD v4.1: 1 of 1,613,862 alleles (0.000062%); highest among the groups gnomAD compares: African/African-American, 0.0013%; no homozygotes.

Submission:

Labcorp Genetics (formerly Invitae), Labcorp
Classification: Uncertain significance for Early-infantile DEE. Last evaluated: 2021-10-20. Review status: criteria provided, single submitter. Criteria: Invitae Variant Classification Sherloc (09022015). Collection method: clinical testing. Allele origin: germline.
Comment: This variant is not present in population databases (ExAC no frequency). This variant has not been reported in the literature in individuals affected with ARHGEF15-related conditions. Algorithms developed to predict the effect of missense changes on protein structure and function output the following: SIFT: "Deleterious"; PolyPhen-2: "Benign"; Align-GVGD: "Class C45". The serine amino acid residue is found in multiple mammalian species, which suggests that this missense change does not adversely affect protein function. This sequence change replaces asparagine with serine at codon 378 of the ARHGEF15 protein (p.Asn378Ser). The asparagine residue is highly conserved and there is a small physicochemical difference between asparagine and serine. In summary, the available evidence is currently insufficient to determine the role of this variant in disease. Therefore, it has been classified as a Variant of Uncertain Significance.